The following is an entry in ClinVar:

ClinVar aggregate classification (germline): Pathogenic (1 of 4 stars; one submission).

Submission:

GeneDx
Classification: Pathogenic. Last evaluated: 2017-04-21. Review status: criteria provided, single submitter. Criteria: GeneDx Variant Classification (06012015). Collection method: clinical testing. Allele origin: germline. Affected: yes.
Comment: The c.2366_2367insT pathogenic variant in the FLNA gene causes a frameshift starting with codon Threonine 790,changes this amino acid to a Histidine residue and creates a premature Stop codon at position 32 of the new readingframe, denoted p.Thr790HisfsX32. This pathogenic variant is predicted to cause loss of normal protein function eitherthrough protein truncation or nonsense-mediated mRNA decay.

NM_001110556.2(FLNA):c.2366_2367insT (p.Thr790fs)

Gene: FLNA (filamin A; minus strand). Cytogenetic location: Xq28.
Variant type: Insertion.
Coding change: c.2366_2367insT on transcript NM_001110556.2 (MANE Select); coding-DNA positions 2366 to 2367, T inserted.
Protein change: p.Thr790fs; shifts the reading frame from threonine 790.
Molecular consequence: frameshift variant.
Genome position: GRCh38 VCF-style: chrX-154362698-G-GA. GRCh37 (hg19) VCF-style: chrX-153591066-G-GA.
Other names: c.2366_2367insT, p.Thr790fs (NM_001456.4); short protein forms T790fs.
Identifiers: ClinVar variation 421766 (VCV000421766.2), dbSNP rs1064795350, ClinGen allele CA16621254.